The following is an entry in ClinVar:

NM_004036.5(ADCY3):c.1867C>T (p.Arg623Cys)

Gene: ADCY3 (adenylate cyclase 3; minus strand). Cytogenetic location: 2p23.3.
Variant type: single nucleotide variant.
Coding change: c.1867C>T on transcript NM_004036.5 (MANE Select); coding-DNA position 1867, C replaced by T.
Protein change: p.Arg623Cys; replaces arginine 623 with cysteine.
Molecular consequence: missense variant.
Genome position (GRCh38, 1-based): chr2:24,834,585, G>A on the plus strand (C>T on the coding strand, the complement: ADCY3 is on the minus strand). VCF-style: chr2-24834585-G-A. GRCh37 (hg19) VCF-style: chr2-25057454-G-A.
Other names: c.1867C>T, p.Arg623Cys (NM_001320613.2, NM_001377129.1, NM_001377130.1 and 1 more transcripts); c.1933C>T, p.Arg645Cys (NM_001377128.1); c.1144C>T, p.Arg382Cys (NM_001377131.1); short protein forms R382C, R623C, R645C.
Identifiers: ClinVar variation 2636655 (VCV002636655.2), dbSNP rs752163659, ClinGen allele CA1553972.

ClinVar aggregate classification (germline): Uncertain significance (1 of 4 stars; one submission).

Conditions:
ADCY3-related disorder. Also called: ADCY3-related condition.

Allele frequency attached by ClinVar (database versions not stated): gnomAD exomes below 0.00001; ExAC 0.00001; gnomAD 0.00001; TOPMed 0.00001.
gnomAD v4.1: 11 of 1,614,000 alleles (0.00068%); highest among the groups gnomAD compares: Admixed American, 0.0017%; no homozygotes.

Submission:

PreventionGenetics, part of Exact Sciences
Classification: Uncertain significance for ADCY3-related condition. Last evaluated: 2025-08-08. Review status: criteria provided, single submitter. Criteria: ACMG Guidelines, 2015. Collection method: clinical testing. Allele origin: germline.
Comment: The ADCY3 c.1867C>T variant is predicted to result in the amino acid substitution p.Arg623Cys. To our knowledge, this variant has not been reported in the literature. This variant is reported in 0.0029% of alleles in individuals of Latino descent in gnomAD. At this time, the clinical significance of this variant is uncertain due to the absence of conclusive functional and genetic evidence.